The following is an entry in ClinVar:

ClinVar aggregate classification (germline): Uncertain significance. Review status: criteria provided, multiple submitters, no conflicts (2 of 4 stars). 3 submissions from 3 submitters: Uncertain significance (3). Last evaluated 2026-06-16.

Conditions:
Cardiovascular phenotype. Identifiers: MedGen CN230736.
TTN-related disorder. Also called: TTN-related disorders; TTN-related condition; TTN-related disease.

Allele frequency attached by ClinVar (database versions not stated): ExAC 0.00001; gnomAD 0.00001; gnomAD exomes 0.00003; ESP Exome Variant Server 0.00008.
gnomAD v4.1: 51 of 1,614,034 alleles (0.0032%); highest among the groups gnomAD compares: Non-Finnish European, 0.0042%; no homozygotes.

Submissions (3):

PreventionGenetics, part of Exact Sciences
Classification: Uncertain significance for TTN-related condition. Last evaluated: 2026-06-16. Review status: criteria provided, single submitter. Criteria: ACMG Guidelines, 2015. Collection method: clinical testing. Allele origin: germline.
Comment: The TTN c.8252A>G variant is predicted to result in the amino acid substitution p.Glu2751Gly. To our knowledge, this variant has not been reported in the literature. This variant is reported in 0.011% of alleles in individuals of African descent in gnomAD. At this time, the clinical significance of this variant is uncertain due to the absence of conclusive functional and genetic evidence.

GeneDx
Classification: Uncertain significance. Last evaluated: 2023-10-30. Review status: criteria provided, single submitter. Criteria: GeneDx Variant Classification Process June 2021. Collection method: clinical testing. Allele origin: germline. Affected: yes.
Comment: Not observed at significant frequency in large population cohorts (gnomAD); Missense variant in a gene in which most reported pathogenic variants are truncating/loss of function; Has not been previously published as pathogenic or benign to our knowledge; Located in a region of TTN within the I-band in which the majority of loss of function variants are significantly associated with autosomal dominant titinopathies (PMID: 27625338, 27869827); This variant is associated with the following publications: (PMID: 27625338, 27869827)

Ambry Genetics
Classification: Uncertain significance for Cardiovascular phenotype. Last evaluated: 2020-03-24. Review status: criteria provided, single submitter. Criteria: Ambry Variant Classification Scheme 2023. Collection method: clinical testing. Allele origin: germline.
Comment: The p.E2705G variant (also known as c.8114A>G), located in coding exon 33 of the TTN gene, results from an A to G substitution at nucleotide position 8114. The glutamic acid at codon 2705 is replaced by glycine, an amino acid with similar properties. This amino acid position is poorly conserved in available vertebrate species. In addition, this alteration is predicted to be tolerated by in silico analysis. Since supporting evidence is limited at this time, the clinical significance of this alteration remains unclear.

NM_001267550.2(TTN):c.8252A>G (p.Glu2751Gly)

Gene: TTN (titin; minus strand). Cytogenetic location: 2q31.2.
Variant type: single nucleotide variant.
Coding change: c.8252A>G on transcript NM_001267550.2 (MANE Select); coding-DNA position 8252, A replaced by G.
Protein change: p.Glu2751Gly; replaces glutamic acid 2751 with glycine.
Molecular consequence: missense variant.
Genome position (GRCh38, 1-based): chr2:178,770,540, T>C on the plus strand (A>G on the coding strand, the complement: TTN is on the minus strand). VCF-style: chr2-178770540-T-C. GRCh37 (hg19) VCF-style: chr2-179635267-T-C.
Other names: c.8252A>G, p.Glu2751Gly (NM_001256850.1, NM_133378.4, NM_133379.5); c.8114A>G, p.Glu2705Gly (NM_003319.4, NM_133432.3, NM_133437.4); short protein forms E2705G, E2751G.
Identifiers: ClinVar variation 1762055 (VCV001762055.4), dbSNP rs368235451, ClinGen allele CA2004626.